The following is an entry in ClinVar:

NM_005560.6(LAMA5):c.4978C>T (p.Arg1660Trp)

Gene: LAMA5 (laminin subunit alpha 5; minus strand). Cytogenetic location: 20q13.33.
Variant type: single nucleotide variant.
Coding change: c.4978C>T on transcript NM_005560.6 (MANE Select); coding-DNA position 4978, C replaced by T.
Protein change: p.Arg1660Trp; replaces arginine 1660 with tryptophan.
Molecular consequence: missense variant.
Genome position (GRCh38, 1-based): chr20:62,327,367, G>A on the plus strand (C>T on the coding strand, the complement: LAMA5 is on the minus strand). VCF-style: chr20-62327367-G-A. GRCh37 (hg19) VCF-style: chr20-60902423-G-A.
Other names: c.4978C>T (NM_005560.3); short protein forms R1660W.
Identifiers: ClinVar variation 1347085 (VCV001347085.7), dbSNP rs770477724, ClinGen allele CA9942390.

ClinVar aggregate classification (germline): Uncertain significance. Review status: criteria provided, multiple submitters, no conflicts (2 of 4 stars). 2 submissions from 2 submitters: Uncertain significance (2). Last evaluated 2023-11-03.

Allele frequency attached by ClinVar (database versions not stated): ExAC 0.00003; gnomAD exomes 0.00004; gnomAD 0.00005 and 0.00006; TOPMed 0.00006.
gnomAD v4.1: 127 of 1,598,130 alleles (0.0079%); highest among the groups gnomAD compares: Non-Finnish European, 0.0096%; 1 homozygote.

Submissions (2):

GeneDx
Classification: Uncertain significance. Last evaluated: 2023-11-03. Review status: criteria provided, single submitter. Criteria: GeneDx Variant Classification Process June 2021. Collection method: clinical testing. Allele origin: germline. Affected: yes.
Comment: In silico analysis supports that this missense variant has a deleterious effect on protein structure/function; Has not been previously published as pathogenic or benign to our knowledge

Labcorp Genetics (formerly Invitae), Labcorp
Classification: Uncertain significance. Last evaluated: 2022-07-12. Review status: criteria provided, single submitter. Criteria: Invitae Variant Classification Sherloc (09022015). Collection method: clinical testing. Allele origin: germline.
Comment: This sequence change replaces arginine, which is basic and polar, with tryptophan, which is neutral and slightly polar, at codon 1660 of the LAMA5 protein (p.Arg1660Trp). This variant is present in population databases (rs770477724, gnomAD 0.01%). This variant has not been reported in the literature in individuals affected with LAMA5-related conditions. ClinVar contains an entry for this variant (Variation ID: 1347085). Algorithms developed to predict the effect of missense changes on protein structure and function are either unavailable or do not agree on the potential impact of this missense change (SIFT: "Deleterious"; PolyPhen-2: "Benign"; Align-GVGD: "Class C0"). In summary, the available evidence is currently insufficient to determine the role of this variant in disease. Therefore, it has been classified as a Variant of Uncertain Significance.